The following is an entry in ClinVar:

NM_005982.4(SIX1):c.518A>T (p.Lys173Met)

Genes: SIX1 (SIX homeobox 1; minus strand), MIR9718 (microRNA 9718; plus strand). Cytogenetic location: 14q23.1.
Variant type: single nucleotide variant.
Coding change: c.518A>T on transcript NM_005982.4 (MANE Select); coding-DNA position 518, A replaced by T.
Protein change: p.Lys173Met; replaces lysine 173 with methionine.
Molecular consequence: missense variant. On other transcripts: non-coding transcript variant (1), intron variant (1).
Genome position (GRCh38, 1-based): chr14:60,648,672, T>A on the plus strand (A>T on the coding strand, the complement: SIX1 is on the minus strand). VCF-style: chr14-60648672-T-A. GRCh37 (hg19) VCF-style: chr14-61115390-T-A.
Other names: c.501+17A>T (NM_001425142.1); short protein forms K173M.
Identifiers: ClinVar variation 4782765 (VCV004782765.1).

ClinVar aggregate classification (germline): Uncertain significance (1 of 4 stars; one submission).

Conditions:
Branchiootic syndrome 3 (BOS3). Also called: BO SYNDROME 3. Identifiers: MedGen C1842124, MONDO:0012025, OMIM 608389.
Autosomal dominant nonsyndromic hearing loss 23. Identifiers: Orphanet 90635, MedGen C1854594, MONDO:0011519, OMIM 605192.

Submission:

Labcorp Genetics (formerly Invitae), Labcorp
Classification: Uncertain significance for Autosomal dominant nonsyndromic hearing loss 23; Branchiootic syndrome 3. Last evaluated: 2025-02-19. Review status: criteria provided, single submitter. Criteria: Invitae Variant Classification Sherloc (09022015). Collection method: clinical testing. Allele origin: germline.
Comment: This sequence change replaces lysine, which is basic and polar, with methionine, which is neutral and non-polar, at codon 173 of the SIX1 protein (p.Lys173Met). This variant is not present in population databases (gnomAD no frequency). This missense change has been observed in individual(s) with clinical features of SIX1-related conditions (internal data). Invitae Evidence Modeling of protein sequence and biophysical properties (such as structural, functional, and spatial information, amino acid conservation, physicochemical variation, residue mobility, and thermodynamic stability) indicates that this missense variant is expected to disrupt SIX1 protein function with a positive predictive value of 80%. This variant disrupts the p.Lys173 amino acid residue in SIX1. Other variant(s) that disrupt this residue have been observed in individuals with SIX1-related conditions (PMID: 29500469; internal data), which suggests that this may be a clinically significant amino acid residue. In summary, the available evidence is currently insufficient to determine the role of this variant in disease. Therefore, it has been classified as a Variant of Uncertain Significance.

Literature cited by the submitters: PubMed 29500469.